The following is an entry in ClinVar:

NM_006031.6(PCNT):c.9102A>G (p.Lys3034=)

Gene: PCNT (pericentrin; plus strand). Cytogenetic location: 21q22.3.
Variant type: single nucleotide variant.
Coding change: c.9102A>G on transcript NM_006031.6 (MANE Select); coding-DNA position 9102, A replaced by G.
Protein change: p.Lys3034=; no amino-acid change (lysine 3034 retained).
Molecular consequence: synonymous variant.
Genome position (GRCh38, 1-based): chr21:46,438,166, A>G. VCF-style: chr21-46438166-A-G. GRCh37 (hg19) VCF-style: chr21-47858079-A-G.
Other names: c.8511A>G, p.Lys2837= (NM_001315529.2); c.9102A>G (NM_006031.5).
Identifiers: ClinVar variation 4752170 (VCV004752170.2).

ClinVar aggregate classification (germline): Uncertain significance. Review status: criteria provided, multiple submitters, no conflicts (2 of 4 stars). 2 submissions from 2 submitters: Uncertain significance (2). Last evaluated 2026-07-29.

Conditions:
PCNT-related disorder. Also called: PCNT-related condition.

gnomAD v4.1: 17 of 1,613,384 alleles (0.0011%); highest among the groups gnomAD compares: African/African-American, 0.0013%; no homozygotes.

Submissions (2):

PreventionGenetics, part of Exact Sciences
Classification: Uncertain significance for PCNT-related condition. Last evaluated: 2026-07-29. Review status: criteria provided, single submitter. Criteria: ACMG Guidelines, 2015. Collection method: clinical testing. Allele origin: germline.
Comment: The PCNT c.9102A>G variant is not predicted to result in an amino acid change (p.=). To our knowledge, this variant has not been reported in the literature. This variant is reported in 0.0047% of alleles in individuals of European (Non-Finnish) descent in gnomAD. This variant is predicted to alter splicing based on available splicing prediction programs (SpliceAI, Jaganathan et al. 2019. PubMed ID: 30661751). However, the use of computer prediction programs is not equivalent to functional evidence. At this time, the clinical significance of this variant is uncertain due to the absence of conclusive functional and genetic evidence.

Labcorp Genetics (formerly Invitae), Labcorp
Classification: Uncertain significance. Last evaluated: 2025-09-27. Review status: criteria provided, single submitter. Criteria: Invitae Variant Classification Sherloc (09022015). Collection method: clinical testing. Allele origin: germline.
Comment: This sequence change affects codon 3034 of the PCNT mRNA. It is a 'silent' change, meaning that it does not change the encoded amino acid sequence of the PCNT protein. This variant is present in population databases (rs776579658, gnomAD 0.004%). This variant has not been reported in the literature in individuals affected with PCNT-related conditions. Algorithms developed to predict the effect of sequence changes on RNA splicing suggest that this variant may disrupt the consensus splice site. In summary, the available evidence is currently insufficient to determine the role of this variant in disease. Therefore, it has been classified as a Variant of Uncertain Significance.